The following is an entry in ClinVar:

NM_000051.4(ATM):c.2366A>G (p.Asn789Ser)

Gene: ATM (ATM serine/threonine kinase; plus strand). Cytogenetic location: 11q22.3.
Variant type: single nucleotide variant.
Coding change: c.2366A>G on transcript NM_000051.4 (MANE Select); coding-DNA position 2366, A replaced by G.
Protein change: p.Asn789Ser; replaces asparagine 789 with serine.
Molecular consequence: missense variant.
Genome position (GRCh38, 1-based): chr11:108,257,596, A>G. VCF-style: chr11-108257596-A-G. GRCh37 (hg19) VCF-style: chr11-108128323-A-G.
Other names: c.2366A>G, p.Asn789Ser (NM_001351834.2); short protein forms N789S.
Identifiers: ClinVar variation 655806 (VCV000655806.21), dbSNP rs1591546766, ClinGen allele CA382540353.
Genomic context (GRCh38, chr11:108,257,596, plus strand): 5'-AGGAATTCAGAATTGGTTCCTTGAGAAATATGATGCAGCTATGTACACGTTGCTTGAGCA[A>G]CTGTACCAAGGTAAGATTTTCTTCTTCTTGTTTTGTTTTTTGAGATAGGATCTTTCTCTG-3'
Protein context (NP_000042.3, residues 779-799): MMQLCTRCLS[Asn789Ser]CTKKSPNKIA

ClinVar aggregate classification (germline): Uncertain significance. Review status: criteria provided, multiple submitters, no conflicts (2 of 4 stars). 5 submissions from 5 submitters: Uncertain significance (4). 1 of the submissions does not count toward it. Last evaluated 2025-11-05.

Conditions:
Ataxia-telangiectasia syndrome (AT). Also called: ATAXIA-TELANGIECTASIA, FRESNO VARIANT; Ataxia-telangiectasia, complementation group D; Cerebello-oculocutaneous telangiectasia; Immunodeficiency with ataxia telangiectasia; Ataxia-telangiectasia; Ataxia telangiectasia (A-T). Identifiers: Orphanet 100, MedGen C0004135, MONDO:0008840, OMIM 208900.
Hereditary cancer-predisposing syndrome. Also called: Neoplastic Syndromes, Hereditary; Hereditary neoplastic syndrome; Hereditary Cancer Syndrome; Tumor predisposition. Identifiers: Orphanet 140162, MedGen C0027672, MeSH D009386, MONDO:0015356.
Familial cancer of breast. Also called: hereditary breast carcinoma; Hereditary breast cancer; BREAST CANCER, FAMILIAL. Identifiers: Orphanet 227535, MedGen C0346153, MONDO:0016419, OMIM 114480. Disease mechanism: loss of function.

Allele frequency attached by ClinVar (database versions not stated): gnomAD exomes below 0.00001; TOPMed below 0.00001.
gnomAD v4.1: 1 of 1,613,662 alleles (0.000062%); highest among the groups gnomAD compares: Non-Finnish European, 0.000085%; no homozygotes.

Submissions (5):

Labcorp Genetics (formerly Invitae), Labcorp
Classification: Uncertain significance for Ataxia-telangiectasia syndrome. Last evaluated: 2025-11-05. Review status: criteria provided, single submitter. Criteria: Invitae Variant Classification Sherloc (09022015). Collection method: clinical testing. Allele origin: germline.
Comment: This sequence change replaces asparagine, which is neutral and polar, with serine, which is neutral and polar, at codon 789 of the ATM protein (p.Asn789Ser). This variant is not present in population databases (gnomAD no frequency). This variant has not been reported in the literature in individuals affected with ATM-related conditions. ClinVar contains an entry for this variant (Variation ID: 655806). Invitae Evidence Modeling of protein sequence and biophysical properties (such as structural, functional, and spatial information, amino acid conservation, physicochemical variation, residue mobility, and thermodynamic stability) indicates that this missense variant is not expected to disrupt ATM protein function with a negative predictive value of 95%. In summary, the available evidence is currently insufficient to determine the role of this variant in disease. Therefore, it has been classified as a Variant of Uncertain Significance.

Baylor Genetics
Classification: Uncertain significance for Familial cancer of breast. Last evaluated: 2024-03-14. Review status: criteria provided, single submitter. Criteria: ACMG Guidelines, 2015. Collection method: clinical testing. Allele origin: unknown.

Ambry Genetics
Classification: Uncertain significance for Hereditary cancer-predisposing syndrome. Last evaluated: 2024-02-02. Review status: criteria provided, single submitter. Criteria: Ambry Variant Classification Scheme 2023. Collection method: clinical testing. Allele origin: germline.
Comment: The p.N789S variant (also known as c.2366A>G), located in coding exon 14 of the ATM gene, results from an A to G substitution at nucleotide position 2366. The asparagine at codon 789 is replaced by serine, an amino acid with highly similar properties. This amino acid position is well conserved in available vertebrate species. In addition, this alteration is predicted to be tolerated by in silico analysis. Since supporting evidence is limited at this time, the clinical significance of this alteration remains unclear.

GeneDx
Classification: Uncertain significance. Last evaluated: 2019-09-12. Review status: criteria provided, single submitter. Criteria: GeneDx Variant Classification Process June 2021. Collection method: clinical testing. Allele origin: germline. Affected: yes.
Comment: Not observed in large population cohorts (Lek et al., 2016); In silico analysis, which includes protein predictors and evolutionary conservation, supports that this variant does not alter protein structure/function; Has not been previously published as pathogenic or benign to our knowledge

Natera, Inc.
Classification: Uncertain significance for Ataxia-telangiectasia. Last evaluated: 2021-10-14. Review status: no assertion criteria provided. Collection method: clinical testing. Allele origin: germline. Not counted in ClinVar's aggregate classification.